The following is an entry in ClinVar:

ClinVar aggregate classification (germline): Uncertain significance (1 of 4 stars; one submission).

Conditions:
Autosomal recessive limb-girdle muscular dystrophy type 2Q (LGMDR17). Also called: MUSCULAR DYSTROPHY, LIMB-GIRDLE, AUTOSOMAL RECESSIVE 17. Identifiers: Orphanet 254361, MedGen C3150989, MONDO:0013390, OMIM 613723.
Epidermolysis bullosa simplex 5B, with muscular dystrophy (EBS5B). Also called: Epidermolysis bullosa simplex with muscular dystrophy; EPIDERMOLYSIS BULLOSA SIMPLEX AND LIMB-GIRDLE MUSCULAR DYSTROPHY. Identifiers: Orphanet 257, MedGen C2931072, MONDO:0009181, OMIM 226670.
Epidermolysis bullosa simplex, Ogna type (EBS5A). Also called: Pidermolysis bullosa simplex 5A, Ogna type; EPIDERMOLYSIS BULLOSA SIMPLEX 5A, OGNA TYPE. Identifiers: Orphanet 79401, MedGen C0432317, MONDO:0007555, OMIM 131950.
Epidermolysis bullosa simplex 5C, with pyloric atresia (EBS5C). Also called: PLEC1-Related Epidermolysis Bullosa with Pyloric Atresia; Epidermolysis bullosa simplex with pyloric atresia; PLEC-Related Epidermolysis Bullosa with Pyloric Atresia. Identifiers: Orphanet 158684, MedGen C2677349, MONDO:0012807, OMIM 612138.
Epidermolysis bullosa simplex with nail dystrophy (EBS5D). Identifiers: MedGen C4225309, MONDO:0014661, OMIM 616487.

Allele frequency attached by ClinVar (database versions not stated): gnomAD exomes below 0.00001; TOPMed below 0.00001.
gnomAD v4.1: 2 of 1,611,768 alleles (0.00012%); highest among the groups gnomAD compares: South Asian, 0.0011%; no homozygotes.

Submission:

Labcorp Genetics (formerly Invitae), Labcorp
Classification: Uncertain significance for Autosomal recessive limb-girdle muscular dystrophy type 2Q; Epidermolysis bullosa simplex, Ogna type; Epidermolysis bullosa simplex with nail dystrophy; Epidermolysis bullosa simplex 5C, with pyloric atresia; Epidermolysis bullosa simplex 5B, with muscular dystrophy. Last evaluated: 2022-11-08. Review status: criteria provided, single submitter. Criteria: Invitae Variant Classification Sherloc (09022015). Collection method: clinical testing. Allele origin: germline.
Comment: In summary, the available evidence is currently insufficient to determine the role of this variant in disease. Therefore, it has been classified as a Variant of Uncertain Significance. Algorithms developed to predict the effect of missense changes on protein structure and function are either unavailable or do not agree on the potential impact of this missense change (SIFT: "Tolerated"; PolyPhen-2: "Possibly Damaging"; Align-GVGD: "Class C0"). ClinVar contains an entry for this variant (Variation ID: 852589). This variant has not been reported in the literature in individuals affected with PLEC-related conditions. This variant is present in population databases (no rsID available, gnomAD 0.003%). This sequence change replaces alanine, which is neutral and non-polar, with valine, which is neutral and non-polar, at codon 2710 of the PLEC protein (p.Ala2710Val).

NM_201384.3(PLEC):c.8048C>T (p.Ala2683Val)

Gene: PLEC (plectin; minus strand). Cytogenetic location: 8q24.3.
Variant type: single nucleotide variant.
Coding change: c.8048C>T on transcript NM_201384.3 (MANE Select); coding-DNA position 8048, C replaced by T.
Protein change: p.Ala2683Val; replaces alanine 2683 with valine.
Molecular consequence: missense variant.
Genome position (GRCh38, 1-based): chr8:143,921,773, G>A on the plus strand (C>T on the coding strand, the complement: PLEC is on the minus strand). VCF-style: chr8-143921773-G-A. GRCh37 (hg19) VCF-style: chr8-144995941-G-A.
Other names: c.8129C>T, p.Ala2710Val (NM_000445.5); c.8006C>T, p.Ala2669Val (NM_201378.4); c.7982C>T, p.Ala2661Val (NM_201379.3); c.8459C>T, p.Ala2820Val (NM_201380.4); c.7952C>T, p.Ala2651Val (NM_201381.3); c.8048C>T, p.Ala2683Val (NM_201382.4); c.8060C>T, p.Ala2687Val (NM_201383.3); short protein forms A2687V, A2651V, A2669V, A2683V, A2661V, A2710V, A2820V.
Identifiers: ClinVar variation 852589 (VCV000852589.6), dbSNP rs1554687064, ClinGen allele CA372519886.